The following is an entry in ClinVar:

NM_004006.3(DMD):c.1760C>T (p.Thr587Ile)

Gene: DMD (dystrophin; minus strand). Cytogenetic location: Xp21.1.
Variant type: single nucleotide variant.
Coding change: c.1760C>T on transcript NM_004006.3 (MANE Select); coding-DNA position 1760, C replaced by T.
Protein change: p.Thr587Ile; replaces threonine 587 with isoleucine.
Molecular consequence: missense variant.
Genome position (GRCh38, 1-based): chrX:32,573,582, G>A on the plus strand (C>T on the coding strand, the complement: DMD is on the minus strand). VCF-style: chrX-32573582-G-A. GRCh37 (hg19) VCF-style: chrX-32591699-G-A.
Other names: c.1736C>T, p.Thr579Ile (NM_000109.4); c.1748C>T, p.Thr583Ile (NM_004009.3); c.1391C>T, p.Thr464Ile (NM_004010.3); short protein forms T587I, T579I, T583I, T464I.
Identifiers: ClinVar variation 1469265 (VCV001469265.8), dbSNP rs2052673481, ClinGen allele CA412673177.

ClinVar aggregate classification (germline): Uncertain significance. Review status: criteria provided, multiple submitters, no conflicts (2 of 4 stars). 2 submissions from 2 submitters: Uncertain significance (2). Last evaluated 2021-08-29.

Conditions:
Duchenne muscular dystrophy (DMD). Also called: Duchenne Muscular Dystrophy (DMD); MUSCULAR DYSTROPHY, PSEUDOHYPERTROPHIC PROGRESSIVE, DUCHENNE TYPE. Identifiers: Orphanet 98896, MedGen C0013264, MONDO:0010679, OMIM 310200.
Cardiovascular phenotype. Identifiers: MedGen CN230736.

Submissions (2):

Labcorp Genetics (formerly Invitae), Labcorp
Classification: Uncertain significance for Duchenne muscular dystrophy. Last evaluated: 2021-08-29. Review status: criteria provided, single submitter. Criteria: Invitae Variant Classification Sherloc (09022015). Collection method: clinical testing. Allele origin: germline.
Comment: This sequence change replaces threonine with isoleucine at codon 587 of the DMD protein (p.Thr587Ile). The threonine residue is highly conserved and there is a moderate physicochemical difference between threonine and isoleucine. This variant is not present in population databases (ExAC no frequency). This variant has not been reported in the literature in individuals affected with DMD-related conditions. Algorithms developed to predict the effect of missense changes on protein structure and function output the following: SIFT: "Deleterious"; PolyPhen-2: "Benign"; Align-GVGD: "Class C15". The isoleucine amino acid residue is found in multiple mammalian species, which suggests that this missense change does not adversely affect protein function. In summary, the available evidence is currently insufficient to determine the role of this variant in disease. Therefore, it has been classified as a Variant of Uncertain Significance.

Ambry Genetics
Classification: Uncertain significance for Cardiovascular phenotype. Last evaluated: 2021-06-25. Review status: criteria provided, single submitter. Criteria: Ambry Variant Classification Scheme 2023. Collection method: clinical testing. Allele origin: germline.
Comment: The p.T587I variant (also known as c.1760C>T), located in coding exon 15 of the DMD gene, results from a C to T substitution at nucleotide position 1760. The threonine at codon 587 is replaced by isoleucine, an amino acid with similar properties. This amino acid position is not well conserved in available vertebrate species, and isoleucine is the reference amino acid in other vertebrate species. In addition, this alteration is predicted to be tolerated by in silico analysis. Since supporting evidence is limited at this time, the clinical significance of this alteration remains unclear.